The following is an entry in ClinVar:

ClinVar aggregate classification (germline): Uncertain significance (1 of 4 stars; one submission).

Conditions:
Hereditary spastic paraplegia 11. Also called: Nakamura Osame syndrome; Autosomal recessive hereditary spastic paraplegia, mental impairment, and thin corpus callosum; SPASTIC PARAPLEGIA, AUTOSOMAL RECESSIVE, COMPLICATED, WITH THIN CORPUS CALLOSUM; SPASTIC PARAPLEGIA, AUTOSOMAL RECESSIVE, WITH MENTAL IMPAIRMENT AND THIN CORPUS CALLOSUM; Spastic Paraplegia 11; Spastic paraplegia, mental retardation and thin corpus callosum. Identifiers: Orphanet 2822, MedGen C1858479, MONDO:0011445, OMIM 604360.

Submission:

Labcorp Genetics (formerly Invitae), Labcorp
Classification: Uncertain significance for Hereditary spastic paraplegia 11. Last evaluated: 2022-01-06. Review status: criteria provided, single submitter. Criteria: Invitae Variant Classification Sherloc (09022015). Collection method: clinical testing. Allele origin: germline.
Comment: In summary, the available evidence is currently insufficient to determine the role of this variant in disease. Therefore, it has been classified as a Variant of Uncertain Significance. Experimental studies and prediction algorithms are not available or were not evaluated, and the functional significance of this variant is currently unknown. This variant has not been reported in the literature in individuals affected with SPG11-related conditions. This variant is not present in population databases (gnomAD no frequency). This variant, c.1050_1052del, results in the deletion of 1 amino acid(s) of the SPG11 protein (p.Lys350del), but otherwise preserves the integrity of the reading frame.

NM_025137.4(SPG11):c.1050_1052del (p.Lys350del)

Gene: SPG11 (SPG11 vesicle trafficking associated, spatacsin; minus strand). Cytogenetic location: 15q21.1.
Variant type: Deletion.
Coding change: c.1050_1052del on transcript NM_025137.4 (MANE Select); coding-DNA positions 1050 to 1052, 3 bases deleted (GAA; older notation c.1050_1052delGAA).
Protein change: p.Lys350del; deletes lysine 350.
Molecular consequence: inframe deletion. On other transcripts: inframe indel (1).
Genome position (GRCh38, 1-based): chr15:44,651,895-44,651,897, TTC deleted on the plus strand (GAA on the coding strand, the reverse complement: SPG11 is on the minus strand); deleting any 3 consecutive bases within chr15:44,651,895-44,651,899 gives the same sequence; the c. name uses the placement nearest the transcript's 3' end. VCF-style (leftmost placement, unchanged base first): chr15-44651894-GTTC-G. GRCh37 (hg19) VCF-style: chr15-44944092-GTTC-G.
Other names: c.1050_1052del, p.Lys350del (NM_001160227.2); c.1048_1050delAAG, p.Lys350del (NM_001411132.1); short protein forms K350del.
Identifiers: ClinVar variation 2076516 (VCV002076516.4), dbSNP rs2505728520, ClinGen allele CA2580089468.